The following is an entry in ClinVar:

NM_001134831.2(AHI1):c.2174G>A (p.Trp725Ter)

Gene: AHI1 (Abelson helper integration site 1; minus strand). Cytogenetic location: 6q23.3.
Variant type: single nucleotide variant.
Coding change: c.2174G>A on transcript NM_001134831.2 (MANE Select); coding-DNA position 2174, G replaced by A.
Protein change: p.Trp725Ter; replaces tryptophan 725 with a stop codon.
Molecular consequence: nonsense.
Genome position (GRCh38, 1-based): chr6:135,433,119, C>T on the plus strand (G>A on the coding strand, the complement: AHI1 is on the minus strand). VCF-style: chr6-135433119-C-T. GRCh37 (hg19) VCF-style: chr6-135754257-C-T.
Other names: c.2174G>A, p.Trp725Ter (NM_001134830.2, NM_001134832.2, NM_001350503.2 and 2 more transcripts); short protein forms W725*.
Identifiers: ClinVar variation 156382 (VCV000156382.16), dbSNP rs587783013, ClinGen allele CA270780.
Genomic context (GRCh38, chr6:135,433,119, plus strand): 5'-CTTTTGTGAACATCAAACTGTCGGACCAATATGGCAGAATCTTCTCTCATCTCAACTTTC[C>T]ATATCCGTATCATGGAATCATAGCATCCTGTAACTACTAGCTCTCTTACAGCTGGATGGA-3'

ClinVar aggregate classification (germline): Pathogenic/Likely pathogenic. Review status: criteria provided, multiple submitters, no conflicts (2 of 4 stars). 11 submissions from 10 submitters: Pathogenic (3); Likely pathogenic (1). 7 of the submissions do not count toward it. Last evaluated 2025-12-30.

Conditions:
Retinitis pigmentosa (RP). Identifiers: Orphanet 791, MedGen C0035334, MeSH D012174, MONDO:0019200, OMIM 268000. Inheritance: Autosomal dominant, autosomal recessive and X linked inheritance.
Leber congenital amaurosis (LCA). Also called: Leber's amaurosis. Identifiers: Orphanet 65, MedGen C0339527, MeSH D057130, MONDO:0018998.
Joubert syndrome 3 (JBTS3). Also called: AHI1-related Ciliopathy. Identifiers: Orphanet 220493, MedGen C1837713, MONDO:0012078, OMIM 608629.
Joubert syndrome. Also called: JOUBERT-BOLTSHAUSER SYNDROME; Familial aplasia of the vermis. Identifiers: Orphanet 475, MedGen C5979921, MONDO:0018772.

Allele frequency attached by ClinVar (database versions not stated): gnomAD 0.00001; gnomAD exomes 0.00001 and 0.00002; ExAC 0.00002; TOPMed 0.00002.
gnomAD v4.1: 17 of 1,613,580 alleles (0.0011%); highest among the groups gnomAD compares: East Asian, 0.02%; no homozygotes.

Submissions (11):

Labcorp Genetics (formerly Invitae), Labcorp
Classification: Pathogenic for Joubert syndrome. Last evaluated: 2025-12-30. Review status: criteria provided, single submitter. Criteria: Invitae Variant Classification Sherloc (09022015). Collection method: clinical testing. Allele origin: germline.
Comment: This sequence change creates a premature translational stop signal (p.Trp725*) in the AHI1 gene. It is expected to result in an absent or disrupted protein product. Loss-of-function variants in AHI1 are known to be pathogenic (PMID: 15322546, 16453322, 28442542, 29186038). This variant is present in population databases (rs587783013, gnomAD 0.02%). This premature translational stop signal has been observed in individual(s) with Joubert syndrome and/or retinitis pigmentosa (PMID: 28431631, 28442542). ClinVar contains an entry for this variant (Variation ID: 156382). Algorithms developed to predict the effect of sequence changes on RNA splicing suggest that this variant may disrupt the consensus splice site. For these reasons, this variant has been classified as Pathogenic.

Institute of Vision Research, Yonsei University College of Medicine
Classification: Pathogenic for Leber congenital amaurosis. Last evaluated: 2020-07-06. Review status: criteria provided, single submitter. Criteria: ACMG Guidelines, 2015. Collection method: clinical testing. Allele origin: germline. Inheritance: Autosomal recessive inheritance. Affected: yes. Observed: 1 homozygote.

Illumina Laboratory Services, Illumina
Classification: Likely pathogenic for Joubert syndrome 3. Last evaluated: 2017-10-17. Review status: criteria provided, single submitter. Criteria: ICSL Variant Classification Criteria 09 May 2019. Collection method: clinical testing. Allele origin: germline.
Comment: The AHI1 c.2174G>A (p.Trp725Ter) stop-gained variant has been reported in at least four studies and is found in a compound heterozygous state in three individuals with Joubert syndrome and in one individual with non-syndromic retinitis pigmentosa (RP) (Seong et al. 2015; Bachmann-Gagescu et al. 2015; Enokizono et al. 2017, Nguyen et al. 2017). All three individuals with Joubert syndrome carried null variants on the second allele and the individual with RP carried a missense variant on the second allele. Authors suggest individuals with one mild and one severe AHI1 variant will have remnant Jouberin activity that is sufficient for ciliary function in all cells except retinal photoreceptor cells (Nguyen et al. 2017). Control data are unavailable for this variant, which is reported at a frequency of 0.000348 in the East Asian population of the Exome Aggregation Consortium. Based on the evidence and the potential impact of stop-gained variants, the p.Trp725Ter variant is classified as likely pathogenic for Joubert syndrome. This variant was observed by ICSL as part of a predisposition screen in an ostensibly healthy population.

UW Hindbrain Malformation Research Program, University of Washington
Classification: Pathogenic for Joubert syndrome 3. Last evaluated: 2015-02-23. Review status: criteria provided, single submitter. Criteria: Bachmann-Gagescu et al. (J Med Genet. 2015). Collection method: research. Allele origin: unknown. Affected: yes.

Joint Genome Diagnostic Labs from Nijmegen and Maastricht, Radboudumc and MUMC+
Classification: Pathogenic for Retinitis pigmentosa. Last evaluated: 2016-09-01. Review status: no assertion criteria provided. Collection method: clinical testing. Allele origin: inherited. Affected: yes. Observed: 1 variant allele. Not counted in ClinVar's aggregate classification.

Molecular Diagnostics Laboratory, Seoul National University Hospital
Classification: Pathogenic for Joubert syndrome 3. Last evaluated: 2014-09-18. Review status: no assertion criteria provided. Collection method: clinical testing. Allele origin: unknown. Affected: yes. Not counted in ClinVar's aggregate classification.

Clinical Genetics DNA and cytogenetics Diagnostics Lab, Erasmus MC, Erasmus Medical Center
Classification: Pathogenic. Review status: no assertion criteria provided. Collection method: clinical testing. Allele origin: germline. Affected: yes. Study: VKGL Data-share Consensus. Not counted in ClinVar's aggregate classification.

Clinical Genetics, Academic Medical Center
Classification: Pathogenic. Review status: no assertion criteria provided. Collection method: clinical testing. Allele origin: germline. Affected: yes. Study: VKGL Data-share Consensus. Not counted in ClinVar's aggregate classification.

Genome Diagnostics Laboratory, University Medical Center Utrecht
Classification: Pathogenic. Review status: no assertion criteria provided. Collection method: clinical testing. Allele origin: germline. Affected: yes. Study: VKGL Data-share Consensus. Not counted in ClinVar's aggregate classification.

Joint Genome Diagnostic Labs from Nijmegen and Maastricht, Radboudumc and MUMC+
Classification: Pathogenic. Review status: no assertion criteria provided. Collection method: clinical testing. Allele origin: germline. Affected: yes. Study: VKGL Data-share Consensus. Not counted in ClinVar's aggregate classification.

Neurology Department of Pediatrics, The Third Affiliated Hospital of Zhengzhou University
Classification: Uncertain significance for Joubert syndrome 3. Review status: no assertion criteria provided. Collection method: clinical testing. Allele origin: inherited. Inheritance: Autosomal recessive inheritance. Affected: yes. Not counted in ClinVar's aggregate classification.

Literature cited by the submitters: PubMed 15322546 (cited by Labcorp Genetics (formerly Invitae), Labcorp); PubMed 16453322 (cited by Labcorp Genetics (formerly Invitae), Labcorp); PubMed 28442542 (cited by Labcorp Genetics (formerly Invitae), Labcorp and Illumina Laboratory Services, Illumina); PubMed 29186038 (cited by Labcorp Genetics (formerly Invitae), Labcorp); PubMed 28431631 (cited by Labcorp Genetics (formerly Invitae), Labcorp and Illumina Laboratory Services, Illumina); PubMed 32165824 (cited by Institute of Vision Research, Yonsei University College of Medicine); PubMed 25445212 (cited by Illumina Laboratory Services, Illumina); PubMed 26092869 (cited by Illumina Laboratory Services, Illumina).